The following is an entry in ClinVar:

ClinVar aggregate classification (germline): Uncertain significance (1 of 4 stars; one submission).

Submission:

Women's Health and Genetics/Laboratory Corporation of America, LabCorp
Classification: Uncertain significance. Last evaluated: 2024-09-19. Review status: criteria provided, single submitter. Criteria: LabCorp Variant Classification Summary - May 2015. Collection method: clinical testing. Allele origin: germline.
Comment: Variant summary: SASH1 c.750_752delTGA (p.Asp250del) results in an in-frame deletion that is predicted to remove one amino acid from the encoded protein. The variant was absent in 245766 control chromosomes (gnomAD). The available data on variant occurrences in the general population are insufficient to allow any conclusion about variant significance. To our knowledge, no occurrence of c.750_752delTGA in individuals affected with SASH1-Related Disorders and no experimental evidence demonstrating its impact on protein function have been reported. No submitters have cited clinical-significance assessments for this variant to ClinVar. Based on the evidence outlined above, the variant was classified as uncertain significance.

NM_015278.5(SASH1):c.747TGA[1] (p.Asp250del)

Gene: SASH1 (SAM and SH3 domain containing 1; plus strand). Cytogenetic location: 6q25.1.
Variant type: Microsatellite.
Coding change: c.747TGA[1] on transcript NM_015278.5 (MANE Select); one copy of the 3-base unit TGA starting at c.747; the reference has two copies in a row; one copy, 3 bases deleted.
Protein change: p.Asp250del; deletes aspartic acid 250.
Molecular consequence: 5 prime UTR variant (on NM_001346509.2).
Genome position (GRCh38, 1-based): chr6:148,514,344-148,514,346, TGA deleted; deleting any 3 consecutive bases within chr6:148,514,339-148,514,346 gives the same sequence; the position shown is the placement nearest the transcript's 3' end. VCF-style (leftmost placement, unchanged base first): chr6-148514338-GGAT-G. GRCh37 (hg19) VCF-style: chr6-148835474-GGAT-G.
Other names: c.612TGA[1], p.Asp205del (NM_001346505.2); c.375TGA[1], p.Asp126del (NM_001346506.2); c.30TGA[1], p.Asp11del (NM_001346507.2, NM_001346508.2); c.-94TGA[1] (NM_001346509.2); c.750_752delTGA (NM_015278.5); short protein forms D11del, D126del, D205del, D250del.
Identifiers: ClinVar variation 3375380 (VCV003375380.1).
Genomic context (GRCh38, chr6:148,514,338, plus strand): 5'-CTCGGAGCAATTACCTGATTAACTTTTTCCTTTGTTTCTTTGCCAGTCAAGAGAACAATC[GGAT>G]GATGAGACTGAGGAGTCGGTGAAGTTTAAGAGGTTACACAAGCTGGTAAACTCCACTCGC-3'